The following is an entry in ClinVar:

NM_001283009.2(RTEL1):c.1906A>G (p.Thr636Ala)

Genes: RTEL1 (regulator of telomere elongation helicase 1; plus strand), RTEL1-TNFRSF6B (RTEL1-TNFRSF6B readthrough (NMD candidate); plus strand). Cytogenetic location: 20q13.33.
Variant type: single nucleotide variant.
Coding change: c.1906A>G on transcript NM_001283009.2 (MANE Select); coding-DNA position 1906, A replaced by G.
Protein change: p.Thr636Ala; replaces threonine 636 with alanine.
Molecular consequence: missense variant. On other transcripts: non-coding transcript variant (1).
Genome position (GRCh38, 1-based): chr20:63,689,529, A>G. VCF-style: chr20-63689529-A-G. GRCh37 (hg19) VCF-style: chr20-62320882-A-G.
Other names: c.1237A>G, p.Thr413Ala (NM_001283010.1); c.1906A>G, p.Thr636Ala (NM_016434.4); c.1978A>G, p.Thr660Ala (NM_032957.5); c.1978A>G (NM_032957.4); short protein forms T413A, T636A, T660A.
Identifiers: ClinVar variation 1438680 (VCV001438680.6), dbSNP rs749428089, ClinGen allele CA9965077.

ClinVar aggregate classification (germline): Uncertain significance. Review status: criteria provided, multiple submitters, no conflicts (2 of 4 stars). 2 submissions from 2 submitters: Uncertain significance (2). Last evaluated 2025-09-27.

Conditions:
Pulmonary fibrosis and/or bone marrow failure, Telomere-related, 3. Also called: PULMONARY FIBROSIS AND/OR BONE MARROW FAILURE SYNDROME, TELOMERE-RELATED, 3. Identifiers: Orphanet 2032, MedGen C4225346, MONDO:0014613, OMIM 616373.
Dyskeratosis congenita, autosomal recessive 5 (DKCB5). Identifiers: MedGen C3554656, MONDO:0014076, OMIM 615190.
Inborn genetic diseases. Identifiers: MedGen C0950123, MeSH D030342.

Allele frequency attached by ClinVar (database versions not stated): gnomAD exomes 0.00001 and 0.00002; gnomAD 0.00001; ExAC 0.00006; TOPMed 0.00002.
gnomAD v4.1: 9 of 1,609,104 alleles (0.00056%); highest among the groups gnomAD compares: Admixed American, 0.015%; no homozygotes.

Submissions (2):

Labcorp Genetics (formerly Invitae), Labcorp
Classification: Uncertain significance for Dyskeratosis congenita, autosomal recessive 5; Pulmonary fibrosis and/or bone marrow failure, Telomere-related, 3. Last evaluated: 2025-09-27. Review status: criteria provided, single submitter. Criteria: Invitae Variant Classification Sherloc (09022015). Collection method: clinical testing. Allele origin: germline.
Comment: This sequence change replaces threonine, which is neutral and polar, with alanine, which is neutral and non-polar, at codon 636 of the RTEL1 protein (p.Thr636Ala). This variant is present in population databases (rs749428089, gnomAD 0.02%). This variant has not been reported in the literature in individuals affected with RTEL1-related conditions. ClinVar contains an entry for this variant (Variation ID: 1438680). An algorithm developed to predict the effect of missense changes on protein structure and function outputs the following: PolyPhen-2: "Benign". The alanine amino acid residue is found in multiple mammalian species, which suggests that this missense change does not adversely affect protein function. In summary, the available evidence is currently insufficient to determine the role of this variant in disease. Therefore, it has been classified as a Variant of Uncertain Significance.

Ambry Genetics
Classification: Uncertain significance for Inborn genetic diseases. Last evaluated: 2022-08-18. Review status: criteria provided, single submitter. Criteria: Ambry Variant Classification Scheme 2023. Collection method: clinical testing. Allele origin: germline.